The following is an entry in ClinVar:

NM_001164508.2(NEB):c.11360C>T (p.Pro3787Leu)

Gene: NEB (nebulin; minus strand). Cytogenetic location: 2q23.3.
Variant type: single nucleotide variant.
Coding change: c.11360C>T on transcript NM_001164508.2 (MANE Select); coding-DNA position 11360, C replaced by T.
Protein change: p.Pro3787Leu; replaces proline 3787 with leucine.
Molecular consequence: missense variant.
Genome position (GRCh38, 1-based): chr2:151,614,517, G>A on the plus strand (C>T on the coding strand, the complement: NEB is on the minus strand). VCF-style: chr2-151614517-G-A. GRCh37 (hg19) VCF-style: chr2-152471031-G-A.
Other names: c.11360C>T, p.Pro3787Leu (NM_001164507.2, NM_001271208.2); c.10631C>T, p.Pro3544Leu (NM_004543.5); c.10631C>T (NM_004543.4); short protein forms P3787L, P3544L.
Identifiers: ClinVar variation 2058668 (VCV002058668.5), dbSNP rs200557002, ClinGen allele CA1908768.

ClinVar aggregate classification (germline): Uncertain significance. Review status: criteria provided, multiple submitters, no conflicts (2 of 4 stars). 3 submissions from 3 submitters: Uncertain significance (3). Last evaluated 2025-06-07.

Conditions:
Nemaline myopathy 2 (NEM2). Also called: Nemaline myopathy 2, autosomal recessive. Identifiers: MedGen C1850569, MONDO:0009725, OMIM 256030.
Inborn genetic diseases. Identifiers: MedGen C0950123, MeSH D030342.

Allele frequency attached by ClinVar (database versions not stated): ExAC 0.00002; 1000 Genomes Project 30x 0.00016; 1000 Genomes Project 0.00020.

Submissions (3):

Ambry Genetics
Classification: Uncertain significance for Inborn genetic diseases. Last evaluated: 2025-06-07. Review status: criteria provided, single submitter. Criteria: Ambry Variant Classification Scheme 2023. Collection method: clinical testing. Allele origin: germline.

Labcorp Genetics (formerly Invitae), Labcorp
Classification: Uncertain significance for Nemaline myopathy 2. Last evaluated: 2022-10-17. Review status: criteria provided, single submitter. Criteria: Invitae Variant Classification Sherloc (09022015). Collection method: clinical testing. Allele origin: germline.
Comment: This sequence change replaces proline, which is neutral and non-polar, with leucine, which is neutral and non-polar, at codon 3787 of the NEB protein (p.Pro3787Leu). This variant is present in population databases (rs200557002, gnomAD 0.008%). This variant has not been reported in the literature in individuals affected with NEB-related conditions. Algorithms developed to predict the effect of missense changes on protein structure and function are either unavailable or do not agree on the potential impact of this missense change (SIFT: "Deleterious"; PolyPhen-2: "Not Available"; Align-GVGD: "Class C0"). In summary, the available evidence is currently insufficient to determine the role of this variant in disease. Therefore, it has been classified as a Variant of Uncertain Significance.

Revvity Omics, Revvity
Classification: Uncertain significance. Last evaluated: 2021-12-17. Review status: criteria provided, single submitter. Criteria: ACMG Guidelines, 2015. Collection method: clinical testing. Allele origin: germline.